The following is an entry in ClinVar:

NM_023067.4(FOXL2):c.391_401del (p.Asp131fs)

Gene: FOXL2 (forkhead box L2; minus strand). Cytogenetic location: 3q22.3.
Variant type: Deletion.
Coding change: c.391_401del on transcript NM_023067.4 (MANE Select); coding-DNA positions 391 to 401, 11 bases deleted (GACCCGGCCTG).
Protein change: p.Asp131fs; shifts the reading frame from aspartic acid 131.
Molecular consequence: frameshift variant.
Genome position (GRCh38, 1-based): chr3:138,946,322-138,946,332, CAGGCCGGGTC deleted on the plus strand (GACCCGGCCTG on the coding strand, the reverse complement: FOXL2 is on the minus strand); deleting any 11 consecutive bases within chr3:138,946,322-138,946,335 gives the same sequence; the c. name uses the placement nearest the transcript's 3' end. VCF-style (leftmost placement, unchanged base first): chr3-138946321-GCAGGCCGGGTC-G. GRCh37 (hg19) VCF-style: chr3-138665163-GCAGGCCGGGTC-G.
Other names: short protein forms D131fs.
Identifiers: ClinVar variation 2812867 (VCV002812867.4), dbSNP rs2473814390, ClinGen allele CA2739278056.

ClinVar aggregate classification (germline): Pathogenic/Likely pathogenic. Review status: criteria provided, multiple submitters, no conflicts (2 of 4 stars). 2 submissions from 2 submitters: Pathogenic (1); Likely pathogenic (1). Last evaluated 2023-07-17.

Conditions:
FOXL2-related disorders.

Submissions (2):

Labcorp Genetics (formerly Invitae), Labcorp
Classification: Pathogenic. Last evaluated: 2023-07-17. Review status: criteria provided, single submitter. Criteria: Invitae Variant Classification Sherloc (09022015). Collection method: clinical testing. Allele origin: germline.
Comment: For these reasons, this variant has been classified as Pathogenic. This variant disrupts a region of the FOXL2 protein in which other variant(s) (p.Pro307Hisfs*52) have been determined to be pathogenic (PMID: 11468277). This suggests that this is a clinically significant region of the protein, and that variants that disrupt it are likely to be disease-causing. This variant has not been reported in the literature in individuals affected with FOXL2-related conditions. This variant is not present in population databases (gnomAD no frequency). This sequence change creates a premature translational stop signal (p.Asp131Argfs*104) in the FOXL2 gene. While this is not anticipated to result in nonsense mediated decay, it is expected to disrupt the last 246 amino acid(s) of the FOXL2 protein.

Blueprint Genetics
Classification: Likely pathogenic for FOXL2-related disorders. Last evaluated: 2019-10-31. Review status: criteria provided, single submitter. Criteria: ACMG Guidelines, 2015. Collection method: clinical testing. Allele origin: germline. Affected: yes. Observed: 1 variant allele.

Literature cited by the submitters: PubMed 11468277 (cited by Labcorp Genetics (formerly Invitae), Labcorp).